The following is an entry in ClinVar:

ClinVar aggregate classification (germline): Benign (0 of 4 stars; one submission).

Conditions:
SLC7A3-related disorder. Also called: SLC7A3-related condition.

Allele frequency attached by ClinVar (database versions not stated): gnomAD exomes 0.00073; ExAC 0.00510; 1000 Genomes Project 0.00609; 1000 Genomes Project 30x 0.00645; gnomAD 0.00755; TOPMed 0.00889; ESP Exome Variant Server 0.00900.
gnomAD v4.1: 1,676 of 1,189,672 alleles (0.14%); highest among the groups gnomAD compares: African/African-American, 2.6%; 18 homozygotes.

Submission:

PreventionGenetics, part of Exact Sciences
Classification: Benign for SLC7A3-related condition. Last evaluated: 2019-09-30. Review status: no assertion criteria provided. Collection method: clinical testing. Allele origin: germline.
Comment: This variant is classified as benign based on ACMG/AMP sequence variant interpretation guidelines (Richards et al. 2015 PMID: 25741868, with internal and published modifications).

NM_032803.6(SLC7A3):c.1005T>C (p.Tyr335=)

Gene: SLC7A3 (solute carrier family 7 member 3; minus strand). Cytogenetic location: Xq13.1.
Variant type: single nucleotide variant.
Coding change: c.1005T>C on transcript NM_032803.6 (MANE Select); coding-DNA position 1005, T replaced by C.
Protein change: p.Tyr335=; no amino-acid change (tyrosine 335 retained).
Molecular consequence: synonymous variant.
Genome position (GRCh38, 1-based): chrX:70,927,836, A>G on the plus strand (T>C on the coding strand, the complement: SLC7A3 is on the minus strand). VCF-style: chrX-70927836-A-G. GRCh37 (hg19) VCF-style: chrX-70147686-A-G.
Other names: c.1005T>C, p.Tyr335= (NM_001048164.3).
Identifiers: ClinVar variation 3040510 (VCV003040510.2), dbSNP rs144720442, ClinGen allele CA10443148.